The following is an entry in ClinVar:

NM_006445.4(PRPF8):c.603C>T (p.Ala201=)

Gene: PRPF8 (pre-mRNA processing factor 8; minus strand). Cytogenetic location: 17p13.3.
Variant type: single nucleotide variant.
Coding change: c.603C>T on transcript NM_006445.4 (MANE Select); coding-DNA position 603, C replaced by T.
Protein change: p.Ala201=; no amino-acid change (alanine 201 retained).
Molecular consequence: synonymous variant.
Genome position (GRCh38, 1-based): chr17:1,681,870, G>A on the plus strand (C>T on the coding strand, the complement: PRPF8 is on the minus strand). VCF-style: chr17-1681870-G-A. GRCh37 (hg19) VCF-style: chr17-1585164-G-A.
Identifiers: ClinVar variation 1168313 (VCV001168313.17), dbSNP rs148215037, ClinGen allele CA8272592.
Genomic context (GRCh38, chr17:1,681,870, plus strand): 5'-TATCACTCACTTCCTGCTGTCCCTCAACGGCTGGTGGTCATAGAACCAGTCCAACACAGG[G>A]GCGTCCTCCTCAGGGTCCAGCTCTAGCTGAATGGCCTCCAGTGGCTCAACATCTAGGATG-3'
Protein context (NP_006436.3, residues 191-211): IQLELDPEED[Ala201=]PVLDWFYDHQ

ClinVar aggregate classification (germline): Benign/Likely benign. Review status: criteria provided, multiple submitters, no conflicts (2 of 4 stars). 5 submissions from 5 submitters: Benign (2); Likely benign (3). Last evaluated 2025-07-27.

Conditions:
Retinitis pigmentosa 13 (RP13). Also called: PRPF 8-Related Retinitis Pigmentosa. Identifiers: Orphanet 791, MedGen C1838702, MONDO:0010806, OMIM 600059.

Allele frequency attached by ClinVar (database versions not stated): ESP Exome Variant Server 0.00023; 1000 Genomes Project 0.00040; 1000 Genomes Project 30x 0.00047.
gnomAD v4.1: 332 of 1,613,872 alleles (0.021%); highest among the groups gnomAD compares: South Asian, 0.061%; 1 homozygote.

Submissions (5):

Labcorp Genetics (formerly Invitae), Labcorp
Classification: Benign. Last evaluated: 2025-07-27. Review status: criteria provided, single submitter. Criteria: Invitae Variant Classification Sherloc (09022015). Collection method: clinical testing. Allele origin: germline.

CeGaT Center for Human Genetics Tuebingen
Classification: Likely benign. Last evaluated: 2025-04-01. Review status: criteria provided, single submitter. Criteria: CeGaT Center For Human Genetics Tuebingen Variant Classification Criteria Version 2. Collection method: clinical testing. Allele origin: germline. Affected: yes. Observed: 1 variant allele.
Comment: PRPF8: BP4, BP7

Blueprint Genetics
Classification: Likely benign. Last evaluated: 2024-08-28. Review status: criteria provided, single submitter. Criteria: ACMG Guidelines, 2015. Collection method: clinical testing. Allele origin: germline.

Fulgent Genetics
Classification: Likely benign for Retinitis pigmentosa 13. Last evaluated: 2021-10-08. Review status: criteria provided, single submitter. Criteria: ACMG Guidelines, 2015. Collection method: clinical testing. Allele origin: unknown.

Breakthrough Genomics
Classification: Benign. Review status: criteria provided, single submitter. Criteria: ACMG Guidelines, 2015. Collection method: not provided. Allele origin: germline. Inheritance: Autosomal dominant inheritance. Affected: yes.